The following is an entry in ClinVar:

ClinVar aggregate classification (germline): Likely benign (1 of 4 stars; one submission).

Submission:

GeneDx
Classification: Likely benign. Last evaluated: 2019-08-15. Review status: criteria provided, single submitter. Criteria: GeneDx Variant Classification Process June 2021. Collection method: clinical testing. Allele origin: germline. Affected: yes.
Comment: See Variant Classification Assertion Criteria.

NM_018036.7(ATG2B):c.478+187dup

Gene: ATG2B (autophagy related 2B; minus strand). Cytogenetic location: 14q32.2.
Variant type: Duplication.
Coding change: c.478+187dup on transcript NM_018036.7 (MANE Select); 187 bases into the intron after coding-DNA position 478, one base duplicated (T; older notation c.478+187dupT).
Molecular consequence: intron variant.
Genome position (GRCh38, 1-based): chr14:96,345,046, A duplicated on the plus strand (T on the coding strand, the reverse complement: ATG2B is on the minus strand); the first of 11 consecutive A bases (chr14:96,345,046-96,345,056); duplicating any one gives the same sequence. VCF-style (leftmost placement, unchanged base first): chr14-96345045-C-CA. GRCh37 (hg19) VCF-style: chr14-96811382-C-CA.
Identifiers: ClinVar variation 4795386 (VCV004795386.1).